The following is an entry in ClinVar:

ClinVar aggregate classification (germline): Uncertain significance (1 of 4 stars; one submission).

Submission:

Labcorp Genetics (formerly Invitae), Labcorp
Classification: Uncertain significance. Last evaluated: 2022-06-08. Review status: criteria provided, single submitter. Criteria: Invitae Variant Classification Sherloc (09022015). Collection method: clinical testing. Allele origin: germline.
Comment: In summary, the available evidence is currently insufficient to determine the role of this variant in disease. Therefore, it has been classified as a Variant of Uncertain Significance. Algorithms developed to predict the effect of missense changes on protein structure and function output the following: SIFT: "Tolerated"; PolyPhen-2: "Benign"; Align-GVGD: "Class C0". The aspartic acid amino acid residue is found in multiple mammalian species, which suggests that this missense change does not adversely affect protein function. This variant has not been reported in the literature in individuals affected with HPS4-related conditions. This variant is not present in population databases (gnomAD no frequency). This sequence change replaces asparagine, which is neutral and polar, with aspartic acid, which is acidic and polar, at codon 514 of the HPS4 protein (p.Asn514Asp).

NM_022081.6(HPS4):c.1540A>G (p.Asn514Asp)

Gene: HPS4 (HPS4 biogenesis of lysosomal organelles complex 3 subunit 2; minus strand). Cytogenetic location: 22q12.1.
Variant type: single nucleotide variant.
Coding change: c.1540A>G on transcript NM_022081.6 (MANE Select); coding-DNA position 1540, A replaced by G.
Protein change: p.Asn514Asp; replaces asparagine 514 with aspartic acid.
Molecular consequence: missense variant. On other transcripts: non-coding transcript variant (8).
Genome position (GRCh38, 1-based): chr22:26,464,090, T>C on the plus strand (A>G on the coding strand, the complement: HPS4 is on the minus strand). VCF-style: chr22-26464090-T-C. GRCh37 (hg19) VCF-style: chr22-26860056-T-C.
Other names: c.1540A>G, p.Asn514Asp (NM_001349896.1, NM_001349898.2, NM_001349899.2 and 5 more transcripts); c.1594A>G, p.Asn532Asp (NM_001349900.2, NM_001349901.1); c.1525A>G, p.Asn509Asp (NM_152841.2); short protein forms N514D, N509D, N532D.
Identifiers: ClinVar variation 2003323 (VCV002003323.4), dbSNP rs2518196884, ClinGen allele CA411026451.